The following is an entry in ClinVar:

ClinVar aggregate classification (germline): Likely benign (0 of 4 stars; one submission).

Conditions:
FSIP2-related disorder. Also called: FSIP2-related condition.

Submission:

PreventionGenetics, part of Exact Sciences
Classification: Likely benign for FSIP2-related condition. Last evaluated: 2019-05-06. Review status: no assertion criteria provided. Collection method: clinical testing. Allele origin: germline.
Comment: This variant is classified as likely benign based on ACMG/AMP sequence variant interpretation guidelines (Richards et al. 2015 PMID: 25741868, with internal and published modifications).

NM_173651.4(FSIP2):c.8046A>G (p.Leu2682=)

Genes: FSIP2 (fibrous sheath interacting protein 2; plus strand), FSIP2-AS1 (FSIP2 antisense RNA 1; minus strand). Cytogenetic location: 2q32.1.
Variant type: single nucleotide variant.
Coding change: c.8046A>G on transcript NM_173651.4 (MANE Select); coding-DNA position 8046, A replaced by G.
Protein change: p.Leu2682=; no amino-acid change (leucine 2682 retained).
Molecular consequence: synonymous variant.
Genome position (GRCh38, 1-based): chr2:185,795,182, A>G. VCF-style: chr2-185795182-A-G. GRCh37 (hg19) VCF-style: chr2-186659909-A-G.
Identifiers: ClinVar variation 3037644 (VCV003037644.2), dbSNP rs1429427809, ClinGen allele CA430512607.
Genomic context (GRCh38, chr2:185,795,182, plus strand): 5'-ACATTTAAAAACAAGATCAAAAATTACCACTTTGCCTAAATTTACAAAAAAAACACACTT[A>G]GGACTGAGTGCTGCTAAGGCCAAAAGCAAAACCAAGTTAGGTCCTGGAGAGAAGACCCTA-3'
Protein context (NP_775922.3, residues 2672-2692): TLPKFTKKTH[Leu2682=]GLSAAKAKSK